The following is an entry in ClinVar:

ClinVar aggregate classification (germline): Uncertain significance (1 of 4 stars; one submission).

Allele frequency attached by ClinVar (database versions not stated): gnomAD exomes below 0.00001; ExAC 0.00001.
gnomAD v4.1: 1 of 1,607,234 alleles (0.000062%); no homozygotes.

Submission:

Labcorp Genetics (formerly Invitae), Labcorp
Classification: Uncertain significance. Last evaluated: 2024-05-28. Review status: criteria provided, single submitter. Criteria: Invitae Variant Classification Sherloc (09022015). Collection method: clinical testing. Allele origin: germline.
Comment: This sequence change replaces arginine, which is basic and polar, with cysteine, which is neutral and slightly polar, at codon 949 of the CLTC protein (p.Arg949Cys). This variant is present in population databases (rs746701247, gnomAD 0.004%). This variant has not been reported in the literature in individuals affected with CLTC-related conditions. Advanced modeling of protein sequence and biophysical properties (such as structural, functional, and spatial information, amino acid conservation, physicochemical variation, residue mobility, and thermodynamic stability) performed at Invitae indicates that this missense variant is expected to disrupt CLTC protein function with a positive predictive value of 80%. In summary, the available evidence is currently insufficient to determine the role of this variant in disease. Therefore, it has been classified as a Variant of Uncertain Significance.

NM_004859.4(CLTC):c.2833C>T (p.Arg945Cys)

Gene: CLTC (clathrin heavy chain; plus strand). Cytogenetic location: 17q23.1.
Variant type: single nucleotide variant.
Coding change: c.2833C>T on transcript NM_004859.4 (MANE Select); coding-DNA position 2833, C replaced by T.
Protein change: p.Arg945Cys; replaces arginine 945 with cysteine.
Molecular consequence: missense variant.
Genome position (GRCh38, 1-based): chr17:59,679,433, C>T. VCF-style: chr17-59679433-C-T. GRCh37 (hg19) VCF-style: chr17-57756794-C-T.
Other names: c.2845C>T, p.Arg949Cys (NM_001288653.2); short protein forms R945C, R949C.
Identifiers: ClinVar variation 2759475 (VCV002759475.3), dbSNP rs746701247, ClinGen allele CA8681475.